The following is an entry in ClinVar:

ClinVar aggregate classification (germline): Uncertain significance. Review status: criteria provided, multiple submitters, no conflicts (2 of 4 stars). 2 submissions from 2 submitters: Uncertain significance (2). Last evaluated 2023-12-22.

Conditions:
Inborn genetic diseases. Identifiers: MedGen C0950123, MeSH D030342.

Allele frequency attached by ClinVar (database versions not stated): ExAC 0.00003; gnomAD 0.00003.
gnomAD v4.1: 24 of 1,613,950 alleles (0.0015%); highest among the groups gnomAD compares: South Asian, 0.0022%; no homozygotes.

Submissions (2):

Ambry Genetics
Classification: Uncertain significance for Inborn genetic diseases. Last evaluated: 2023-12-22. Review status: criteria provided, single submitter. Criteria: Ambry Variant Classification Scheme 2023. Collection method: clinical testing. Allele origin: germline.

Labcorp Genetics (formerly Invitae), Labcorp
Classification: Uncertain significance. Last evaluated: 2023-10-13. Review status: criteria provided, single submitter. Criteria: Invitae Variant Classification Sherloc (09022015). Collection method: clinical testing. Allele origin: germline.
Comment: This sequence change replaces arginine, which is basic and polar, with glutamine, which is neutral and polar, at codon 749 of the MYO5B protein (p.Arg749Gln). This variant is present in population databases (rs769427830, gnomAD 0.004%). This variant has not been reported in the literature in individuals affected with MYO5B-related conditions. ClinVar contains an entry for this variant (Variation ID: 2171025). Advanced modeling of protein sequence and biophysical properties (such as structural, functional, and spatial information, amino acid conservation, physicochemical variation, residue mobility, and thermodynamic stability) has been performed at Invitae for this missense variant, however the output from this modeling did not meet the statistical confidence thresholds required to predict the impact of this variant on MYO5B protein function. In summary, the available evidence is currently insufficient to determine the role of this variant in disease. Therefore, it has been classified as a Variant of Uncertain Significance.

NM_001080467.3(MYO5B):c.2246G>A (p.Arg749Gln)

Gene: MYO5B (myosin VB; minus strand). Cytogenetic location: 18q21.1.
Variant type: single nucleotide variant.
Coding change: c.2246G>A on transcript NM_001080467.3 (MANE Select); coding-DNA position 2246, G replaced by A.
Protein change: p.Arg749Gln; replaces arginine 749 with glutamine.
Molecular consequence: missense variant.
Genome position (GRCh38, 1-based): chr18:49,906,587, C>T on the plus strand (G>A on the coding strand, the complement: MYO5B is on the minus strand). VCF-style: chr18-49906587-C-T. GRCh37 (hg19) VCF-style: chr18-47432957-C-T.
Other names: c.2246G>A (NM_001080467.2); short protein forms R749Q.
Identifiers: ClinVar variation 2171025 (VCV002171025.3), dbSNP rs769427830, ClinGen allele CA8961146.